The following is an entry in ClinVar:

ClinVar aggregate classification (germline): Uncertain significance (1 of 4 stars; one submission).

Submission:

Labcorp Genetics (formerly Invitae), Labcorp
Classification: Uncertain significance. Last evaluated: 2025-06-12. Review status: criteria provided, single submitter. Criteria: Invitae Variant Classification Sherloc (09022015). Collection method: clinical testing. Allele origin: germline.
Comment: This sequence change falls in intron 10 of the CCDC141 gene. It does not directly change the encoded amino acid sequence of the CCDC141 protein. This variant is not present in population databases (gnomAD no frequency). This variant has not been reported in the literature in individuals affected with CCDC141-related conditions. ClinVar contains an entry for this variant (Variation ID: 2799021). Algorithms developed to predict the effect of sequence changes on RNA splicing suggest that this variant may disrupt the consensus splice site. In summary, the available evidence is currently insufficient to determine the role of this variant in disease. Therefore, it has been classified as a Variant of Uncertain Significance.

NM_173648.4(CCDC141):c.1528-10_1528-5del

Gene: CCDC141 (coiled-coil domain containing 141; minus strand). Cytogenetic location: 2q31.2.
Variant type: Deletion.
Coding change: c.1528-10_1528-5del on transcript NM_173648.4 (MANE Select); 10 bases into the intron before coding-DNA position 1528 through 5 bases into the intron before coding-DNA position 1528, 6 bases deleted (GCTTTT; older notation c.1528-10_1528-5delGCTTTT).
Molecular consequence: intron variant.
Genome position (GRCh38, 1-based): chr2:178,885,097-178,885,102, AAAAGC deleted on the plus strand (GCTTTT on the coding strand, the reverse complement: CCDC141 is on the minus strand); deleting any 6 consecutive bases within chr2:178,885,097-178,885,105 gives the same sequence; the c. name uses the placement nearest the transcript's 3' end. VCF-style (leftmost placement, unchanged base first): chr2-178885096-TAAAAGC-T. GRCh37 (hg19) VCF-style: chr2-179749823-TAAAAGC-T.
Other names: c.1528-10_1528-5del (NM_001316745.2).
Identifiers: ClinVar variation 2799021 (VCV002799021.3), dbSNP rs2154370540, ClinGen allele CA2662166091.
Genomic context (GRCh38, chr2:178,885,096, plus strand): 5'-AAATTCATTTTTCTCCATCATGGTTTTTGCAGCTGCTTCTAATTCATGTGATGTCTCCTG[TAAAAGC>T]AAAGCACTGGAGGTCAGAAACTGACAGGGGAATCATGAACATTCACGTTTCATTATCTTC-3'